The following is an entry in ClinVar:

ClinVar aggregate classification (germline): Uncertain significance. Review status: criteria provided, multiple submitters, no conflicts (2 of 4 stars). 2 submissions from 2 submitters: Uncertain significance (2). Last evaluated 2026-01-19.

Conditions:
Epidermolysis bullosa simplex with nail dystrophy (EBS5D). Identifiers: MedGen C4225309, MONDO:0014661, OMIM 616487.
Epidermolysis bullosa simplex, Ogna type (EBS5A). Also called: Pidermolysis bullosa simplex 5A, Ogna type; EPIDERMOLYSIS BULLOSA SIMPLEX 5A, OGNA TYPE. Identifiers: Orphanet 79401, MedGen C0432317, MONDO:0007555, OMIM 131950.
Autosomal recessive limb-girdle muscular dystrophy type 2Q (LGMDR17). Also called: MUSCULAR DYSTROPHY, LIMB-GIRDLE, AUTOSOMAL RECESSIVE 17. Identifiers: Orphanet 254361, MedGen C3150989, MONDO:0013390, OMIM 613723.
Epidermolysis bullosa simplex 5C, with pyloric atresia (EBS5C). Also called: PLEC-Related Epidermolysis Bullosa with Pyloric Atresia; Epidermolysis bullosa simplex with pyloric atresia; PLEC1-Related Epidermolysis Bullosa with Pyloric Atresia. Identifiers: Orphanet 158684, MedGen C2677349, MONDO:0012807, OMIM 612138.
Epidermolysis bullosa simplex 5B, with muscular dystrophy (EBS5B). Also called: EPIDERMOLYSIS BULLOSA SIMPLEX AND LIMB-GIRDLE MUSCULAR DYSTROPHY; Epidermolysis bullosa simplex with muscular dystrophy. Identifiers: Orphanet 257, MedGen C2931072, MONDO:0009181, OMIM 226670.
Inborn genetic diseases. Identifiers: MedGen C0950123, MeSH D030342.

Allele frequency attached by ClinVar (database versions not stated): ExAC 0.00001; TOPMed 0.00001; gnomAD exomes 0.00002 and 0.00003; gnomAD 0.00003 and 0.00004.
gnomAD v4.1: 27 of 1,613,520 alleles (0.0017%); highest among the groups gnomAD compares: Middle Eastern, 0.016%; no homozygotes.

Submissions (2):

Labcorp Genetics (formerly Invitae), Labcorp
Classification: Uncertain significance for Autosomal recessive limb-girdle muscular dystrophy type 2Q; Epidermolysis bullosa simplex, Ogna type; Epidermolysis bullosa simplex with nail dystrophy; Epidermolysis bullosa simplex 5C, with pyloric atresia; Epidermolysis bullosa simplex 5B, with muscular dystrophy. Last evaluated: 2026-01-19. Review status: criteria provided, single submitter. Criteria: Invitae Variant Classification Sherloc (09022015). Collection method: clinical testing. Allele origin: germline.
Comment: This sequence change replaces arginine, which is basic and polar, with glutamine, which is neutral and polar, at codon 2465 of the PLEC protein (p.Arg2465Gln). This variant is present in population databases (rs781835780, gnomAD 0.005%). This variant has not been reported in the literature in individuals affected with PLEC-related conditions. ClinVar contains an entry for this variant (Variation ID: 471642). An algorithm developed to predict the effect of missense changes on protein structure and function (PolyPhen-2) suggests that this variant is likely to be disruptive. In summary, the available evidence is currently insufficient to determine the role of this variant in disease. Therefore, it has been classified as a Variant of Uncertain Significance.

Ambry Genetics
Classification: Uncertain significance for Inborn genetic diseases. Last evaluated: 2023-02-28. Review status: criteria provided, single submitter. Criteria: Ambry Variant Classification Scheme 2023. Collection method: clinical testing. Allele origin: germline.

NM_201384.3(PLEC):c.7313G>A (p.Arg2438Gln)

Gene: PLEC (plectin; minus strand). Cytogenetic location: 8q24.3.
Variant type: single nucleotide variant.
Coding change: c.7313G>A on transcript NM_201384.3 (MANE Select); coding-DNA position 7313, G replaced by A.
Protein change: p.Arg2438Gln; replaces arginine 2438 with glutamine.
Molecular consequence: missense variant.
Genome position (GRCh38, 1-based): chr8:143,922,616, C>T on the plus strand (G>A on the coding strand, the complement: PLEC is on the minus strand). VCF-style: chr8-143922616-C-T. GRCh37 (hg19) VCF-style: chr8-144996784-C-T.
Other names: c.7394G>A (NM_000445.3); c.7394G>A, p.Arg2465Gln (NM_000445.5); c.7271G>A, p.Arg2424Gln (NM_201378.4); c.7247G>A, p.Arg2416Gln (NM_201379.3); c.7724G>A, p.Arg2575Gln (NM_201380.4); c.7217G>A, p.Arg2406Gln (NM_201381.3); c.7313G>A, p.Arg2438Gln (NM_201382.4); c.7325G>A, p.Arg2442Gln (NM_201383.3); short protein forms R2416Q, R2424Q, R2465Q, R2406Q, R2438Q, R2442Q, R2575Q.
Identifiers: ClinVar variation 471642 (VCV000471642.7), dbSNP rs781835780, ClinGen allele CA4925693.